The following is an entry in ClinVar:

ClinVar aggregate classification (germline): Uncertain significance (1 of 4 stars; one submission).

Submission:

Labcorp Genetics (formerly Invitae), Labcorp
Classification: Uncertain significance. Last evaluated: 2025-03-17. Review status: criteria provided, single submitter. Criteria: Invitae Variant Classification Sherloc (09022015). Collection method: clinical testing. Allele origin: germline.
Comment: This sequence change replaces leucine, which is neutral and non-polar, with phenylalanine, which is neutral and non-polar, at codon 675 of the FAM186B protein (p.Leu675Phe). This variant is present in population databases (rs147347392, gnomAD 0.02%). This variant has not been reported in the literature in individuals affected with FAM186B-related conditions. An algorithm developed to predict the effect of missense changes on protein structure and function (PolyPhen-2) suggests that this variant is likely to be disruptive. In summary, the available evidence is currently insufficient to determine the role of this variant in disease. Therefore, it has been classified as a Variant of Uncertain Significance.

NM_032130.3(FAM186B):c.2023C>T (p.Leu675Phe)

Gene: FAM186B (family with sequence similarity 186 member B; minus strand). Cytogenetic location: 12q13.12.
Variant type: single nucleotide variant.
Coding change: c.2023C>T on transcript NM_032130.3 (MANE Select); coding-DNA position 2023, C replaced by T.
Protein change: p.Leu675Phe; replaces leucine 675 with phenylalanine.
Molecular consequence: missense variant. On other transcripts: non-coding transcript variant (1).
Genome position (GRCh38, 1-based): chr12:49,599,617, G>A on the plus strand (C>T on the coding strand, the complement: FAM186B is on the minus strand). VCF-style: chr12-49599617-G-A. GRCh37 (hg19) VCF-style: chr12-49993400-G-A.
Other names: short protein forms L675F.
Identifiers: ClinVar variation 3663303 (VCV003663303.2).